The following is an entry in ClinVar:

ClinVar aggregate classification (germline): Uncertain significance (1 of 4 stars; one submission).

gnomAD v4.1: 5 of 1,603,444 alleles (0.00031%); highest among the groups gnomAD compares: Admixed American, 0.0088%; no homozygotes.

Submission:

GeneDx
Classification: Uncertain significance. Last evaluated: 2025-04-24. Review status: criteria provided, single submitter. Criteria: GeneDx Variant Classification Process June 2021. Collection method: clinical testing. Allele origin: germline. Affected: yes.
Comment: In silico analysis supports that this missense variant has a deleterious effect on protein structure/function; Has not been previously published as pathogenic or benign to our knowledge

NM_019023.5(PRMT7):c.394G>A (p.Gly132Ser)

Gene: PRMT7 (protein arginine methyltransferase 7; plus strand). Cytogenetic location: 16q22.1.
Variant type: single nucleotide variant.
Coding change: c.394G>A on transcript NM_019023.5 (MANE Select); coding-DNA position 394, G replaced by A.
Protein change: p.Gly132Ser; replaces glycine 132 with serine.
Molecular consequence: missense variant. On other transcripts: non-coding transcript variant (12).
Genome position (GRCh38, 1-based): chr16:68,337,461, G>A. VCF-style: chr16-68337461-G-A. GRCh37 (hg19) VCF-style: chr16-68371364-G-A.
Other names: c.187G>A, p.Gly63Ser (NM_001378020.1); c.157G>A, p.Gly53Ser (NM_001378021.1, NM_001378022.1, NM_001378023.1); c.244G>A, p.Gly82Ser (NM_001184824.4); c.394G>A, p.Gly132Ser (NM_001290018.2, NM_001351143.3, NM_001351144.3 and 1 more transcripts); short protein forms G132S, G53S, G63S, G82S.
Identifiers: ClinVar variation 4527436 (VCV004527436.1).